The following is an entry in ClinVar:

NM_052813.5(CARD9):c.1492A>T (p.Ser498Cys)

Gene: CARD9 (caspase recruitment domain family member 9; minus strand). Cytogenetic location: 9q34.3.
Variant type: single nucleotide variant.
Coding change: c.1492A>T on transcript NM_052813.5 (MANE Select); coding-DNA position 1492, A replaced by T.
Protein change: p.Ser498Cys; replaces serine 498 with cysteine.
Molecular consequence: missense variant. On other transcripts: intron variant (1).
Genome position (GRCh38, 1-based): chr9:136,364,502, T>A on the plus strand (A>T on the coding strand, the complement: CARD9 is on the minus strand). VCF-style: chr9-136364502-T-A. GRCh37 (hg19) VCF-style: chr9-139258954-T-A.
Other names: c.1441+51A>T (NM_052814.4); short protein forms S498C.
Identifiers: ClinVar variation 1006746 (VCV001006746.9), dbSNP rs974044165, ClinGen allele CA201606376.

ClinVar aggregate classification (germline): Uncertain significance (1 of 4 stars; one submission).

Conditions:
Predisposition to invasive fungal disease due to CARD9 deficiency (IMD103). Also called: CARD9 IMMUNODEFICIENCY; Candidiasis, familial, 2, autosomal recessive; IMMUNODEFICIENCY 103, SUSCEPTIBILITY TO FUNGAL INFECTIONS. Identifiers: Orphanet 457088, MedGen C1859353, MONDO:0008905, OMIM 212050.

Allele frequency attached by ClinVar (database versions not stated): gnomAD 0.00001; gnomAD exomes 0.00001; TOPMed 0.00002.
gnomAD v4.1: 9 of 1,539,546 alleles (0.00058%); highest among the groups gnomAD compares: African/African-American, 0.0055%; no homozygotes.

Submission:

Labcorp Genetics (formerly Invitae), Labcorp
Classification: Uncertain significance for Predisposition to invasive fungal disease due to CARD9 deficiency. Last evaluated: 2020-05-12. Review status: criteria provided, single submitter. Criteria: Invitae Variant Classification Sherloc (09022015). Collection method: clinical testing. Allele origin: germline.
Comment: In summary, the available evidence is currently insufficient to determine the role of this variant in disease. Therefore, it has been classified as a Variant of Uncertain Significance. Algorithms developed to predict the effect of missense changes on protein structure and function (SIFT, PolyPhen-2, Align-GVGD) all suggest that this variant is likely to be tolerated, but these predictions have not been confirmed by published functional studies and their clinical significance is uncertain. This variant has not been reported in the literature in individuals with CARD9-related conditions. This variant is not present in population databases (ExAC no frequency). This sequence change replaces serine with cysteine at codon 498 of the CARD9 protein (p.Ser498Cys). The serine residue is moderately conserved and there is a moderate physicochemical difference between serine and cysteine.